The following is an entry in ClinVar:

NM_000485.3(APRT):c.288T>C (p.Thr96=)

Gene: APRT (adenine phosphoribosyltransferase; minus strand). Cytogenetic location: 16q24.3.
Variant type: single nucleotide variant.
Coding change: c.288T>C on transcript NM_000485.3 (MANE Select); coding-DNA position 288, T replaced by C.
Protein change: p.Thr96=; no amino-acid change (threonine 96 retained).
Molecular consequence: synonymous variant.
Genome position (GRCh38, 1-based): chr16:88,810,456, A>G on the plus strand (T>C on the coding strand, the complement: APRT is on the minus strand). VCF-style: chr16-88810456-A-G. GRCh37 (hg19) VCF-style: chr16-88876864-A-G.
Other names: c.288T>C, p.Thr96= (NM_001030018.2); c.288T>C (NM_000485.2).
Identifiers: ClinVar variation 1091416 (VCV001091416.11), dbSNP rs563575862, ClinGen allele CA8234484.

ClinVar aggregate classification (germline): Likely benign. Review status: criteria provided, multiple submitters, no conflicts (2 of 4 stars). 3 submissions from 3 submitters: Likely benign (2). 1 of the submissions does not count toward it. Last evaluated 2024-09-17.

Conditions:
APRT-related disorder. Also called: APRT-related condition.

Allele frequency attached by ClinVar (database versions not stated): TOPMed 0.00003; gnomAD 0.00004 and 0.00009; gnomAD exomes 0.00012 and 0.00019; ExAC 0.00018; 1000 Genomes Project 30x 0.00031; 1000 Genomes Project 0.00040.

Submissions (3):

Blueprint Genetics
Classification: Likely benign. Last evaluated: 2024-09-17. Review status: criteria provided, single submitter. Criteria: ACMG Guidelines, 2015. Collection method: clinical testing. Allele origin: germline.

Labcorp Genetics (formerly Invitae), Labcorp
Classification: Likely benign. Last evaluated: 2024-05-09. Review status: criteria provided, single submitter. Criteria: Invitae Variant Classification Sherloc (09022015). Collection method: clinical testing. Allele origin: germline.

PreventionGenetics, part of Exact Sciences
Classification: Likely benign for APRT-related condition. Last evaluated: 2024-07-06. Review status: no assertion criteria provided. Collection method: clinical testing. Allele origin: germline. Not counted in ClinVar's aggregate classification.
Comment: This variant is classified as likely benign based on ACMG/AMP sequence variant interpretation guidelines (Richards et al. 2015 PMID: 25741868, with internal and published modifications).